The following is an entry in ClinVar:

ClinVar aggregate classification (germline): Likely pathogenic (0 of 4 stars; one submission).

Conditions:
Marfan syndrome (MFS). Also called: FBN1-Related Marfan Syndrome; MARFAN SYNDROME, TYPE I; Marfan syndrome type 1; Marfan's syndrome; Marfan syndrome, classic. Identifiers: Orphanet 284963, Orphanet 558, MedGen C0024796, MONDO:0007947, OMIM 154700.

Submission:

Yu Lab, Soochow University
Classification: Likely pathogenic for Marfan syndrome. Last evaluated: 2020-10-08. Review status: no assertion criteria provided. Collection method: clinical testing. Allele origin: de novo. Inheritance: Autosomal dominant inheritance. Affected: yes. Observed: 1 compound heterozygote.

NM_000138.5(FBN1):c.7897T>G (p.Cys2633Gly)

Gene: FBN1 (fibrillin 1; minus strand). Cytogenetic location: 15q21.1.
Variant type: single nucleotide variant.
Coding change: c.7897T>G on transcript NM_000138.5 (MANE Select); coding-DNA position 7897, T replaced by G.
Protein change: p.Cys2633Gly; replaces cysteine 2633 with glycine.
Molecular consequence: missense variant.
Genome position (GRCh38, 1-based): chr15:48,415,690, A>C on the plus strand (T>G on the coding strand, the complement: FBN1 is on the minus strand). VCF-style: chr15-48415690-A-C. GRCh37 (hg19) VCF-style: chr15-48707887-A-C.
Other names: short protein forms C2633G.
Identifiers: ClinVar variation 984411 (VCV000984411.6), dbSNP rs1555393871, ClinGen allele CA392323232.